The following is an entry in ClinVar:

ClinVar aggregate classification (germline): Likely benign. Review status: criteria provided, multiple submitters, no conflicts (2 of 4 stars). 2 submissions from 2 submitters: Likely benign (2). Last evaluated 2024-09-01.

Allele frequency attached by ClinVar (database versions not stated): gnomAD 0.00001; 1000 Genomes Project 30x 0.00016; 1000 Genomes Project 0.00020.

Submissions (2):

CeGaT Center for Human Genetics Tuebingen
Classification: Likely benign. Last evaluated: 2024-09-01. Review status: criteria provided, single submitter. Criteria: CeGaT Center For Human Genetics Tuebingen Variant Classification Criteria Version 2. Collection method: clinical testing. Allele origin: germline. Affected: yes. Observed: 1 variant allele.
Comment: IRX5: BP4, BP7

Labcorp Genetics (formerly Invitae), Labcorp
Classification: Likely benign. Last evaluated: 2017-09-14. Review status: criteria provided, single submitter. Criteria: Invitae Variant Classification Sherloc (09022015). Collection method: clinical testing. Allele origin: germline.

NM_005853.6(IRX5):c.501G>A (p.Ala167=)

Genes: IRX5 (iroquois homeobox 5; plus strand), LOC126862355 (CDK7 strongly-dependent group 2 enhancer GRCh37_chr16:54965529-54966728; plus strand). Cytogenetic location: 16q12.2.
Variant type: single nucleotide variant.
Coding change: c.501G>A on transcript NM_005853.6 (MANE Select); coding-DNA position 501, G replaced by A.
Protein change: p.Ala167=; no amino-acid change (alanine 167 retained).
Molecular consequence: synonymous variant.
Genome position (GRCh38, 1-based): chr16:54,932,749, G>A. VCF-style: chr16-54932749-G-A. GRCh37 (hg19) VCF-style: chr16-54966661-G-A.
Other names: c.501G>A, p.Ala167= (NM_001252197.1).
Identifiers: ClinVar variation 728801 (VCV000728801.19), dbSNP rs537133516, ClinGen allele CA282055618.